The following is an entry in ClinVar:

ClinVar aggregate classification (germline): Uncertain significance. Review status: criteria provided, single submitter (1 of 4 stars). 2 submissions from 2 submitters: Uncertain significance (1). 1 of the submissions does not count toward it. Last evaluated 2024-06-29.

Conditions:
ARID1B-Related Disorder. Identifiers: MedGen CN381337.

Allele frequency attached by ClinVar (database versions not stated): ExAC 0.00001; gnomAD 0.00001; ESP Exome Variant Server 0.00008; gnomAD exomes 0.00001; TOPMed 0.00001.
gnomAD v4.1: 19 of 1,614,050 alleles (0.0012%); highest among the groups gnomAD compares: Non-Finnish European, 0.0014%; no homozygotes.

Submissions (2):

Labcorp Genetics (formerly Invitae), Labcorp
Classification: Uncertain significance. Last evaluated: 2024-06-29. Review status: criteria provided, single submitter. Criteria: Invitae Variant Classification Sherloc (09022015). Collection method: clinical testing. Allele origin: germline.
Comment: This sequence change replaces isoleucine, which is neutral and non-polar, with serine, which is neutral and polar, at codon 1110 of the ARID1B protein (p.Ile1110Ser). This variant is present in population databases (rs375581771, gnomAD 0.003%). This variant has not been reported in the literature in individuals affected with ARID1B-related conditions. Advanced modeling of protein sequence and biophysical properties (such as structural, functional, and spatial information, amino acid conservation, physicochemical variation, residue mobility, and thermodynamic stability) has been performed at Invitae for this missense variant, however the output from this modeling did not meet the statistical confidence thresholds required to predict the impact of this variant on ARID1B protein function. In summary, the available evidence is currently insufficient to determine the role of this variant in disease. Therefore, it has been classified as a Variant of Uncertain Significance.

PreventionGenetics, part of Exact Sciences
Classification: Uncertain significance for ARID1B-related condition. Last evaluated: 2024-01-02. Review status: no assertion criteria provided. Collection method: clinical testing. Allele origin: germline. Not counted in ClinVar's aggregate classification.
Comment: The ARID1B c.3329T>G variant is predicted to result in the amino acid substitution p.Ile1110Ser. To our knowledge, this variant has not been reported in the literature. This variant is reported in 0.00088% of alleles in individuals of European (Non-Finnish) descent in gnomAD. At this time, the clinical significance of this variant is uncertain due to the absence of conclusive functional and genetic evidence.

NM_001374828.1(ARID1B):c.3698T>G (p.Ile1233Ser)

Gene: ARID1B (AT-rich interaction domain 1B; plus strand). Cytogenetic location: 6q25.3.
Variant type: single nucleotide variant.
Coding change: c.3698T>G on transcript NM_001374828.1 (MANE Select); coding-DNA position 3698, T replaced by G.
Protein change: p.Ile1233Ser; replaces isoleucine 1233 with serine.
Molecular consequence: missense variant.
Genome position (GRCh38, 1-based): chr6:157,181,162, T>G. VCF-style: chr6-157181162-T-G. GRCh37 (hg19) VCF-style: chr6-157502296-T-G.
Other names: c.3449T>G, p.Ile1150Ser (NM_001346813.1); c.1199T>G, p.Ile400Ser (NM_001363725.2); c.3578T>G, p.Ile1193Ser (NM_001371656.1, NM_001374820.1); c.3539T>G, p.Ile1180Ser (NM_017519.3); c.3329T>G, p.Ile1110Ser (NM_020732.3); c.3116T>G, p.Ile1039Ser (NM_175863.2); short protein forms I1039S, I1110S, I1150S, I1180S, I1193S, I1233S, I400S.
Identifiers: ClinVar variation 3041259 (VCV003041259.4), dbSNP rs375581771, ClinGen allele CA4067377.